The following is an entry in ClinVar:

NM_033380.3(COL4A5):c.554C>G (p.Pro185Arg)

Gene: COL4A5 (collagen type IV alpha 5 chain; plus strand). Cytogenetic location: Xq22.3.
Variant type: single nucleotide variant.
Coding change: c.554C>G on transcript NM_033380.3 (MANE Select); coding-DNA position 554, C replaced by G.
Protein change: p.Pro185Arg; replaces proline 185 with arginine.
Molecular consequence: missense variant.
Genome position (GRCh38, 1-based): chrX:108,575,917, C>G. VCF-style: chrX-108575917-C-G. GRCh37 (hg19) VCF-style: chrX-107819147-C-G.
Other names: c.554C>G, p.Pro185Arg (NM_000495.5); c.554C>G (NM_000495.3); short protein forms P185R.
Identifiers: ClinVar variation 1709407 (VCV001709407.4), dbSNP rs1488731768, ClinGen allele CA413921937.

ClinVar aggregate classification (germline): Uncertain significance. Review status: criteria provided, multiple submitters, no conflicts (2 of 4 stars). 3 submissions from 3 submitters: Uncertain significance (3). Last evaluated 2025-08-08.

Conditions:
Inborn genetic diseases. Identifiers: MedGen C0950123, MeSH D030342.
X-linked Alport syndrome (ATS1). Also called: NEPHROPATHY AND DEAFNESS, X-LINKED; COL4A5-Related Nephropathy. Identifiers: Orphanet 63, Orphanet 88917, MedGen C4746986, MONDO:0010520, OMIM 301050.

Allele frequency attached by ClinVar (database versions not stated): gnomAD exomes below 0.00001; gnomAD 0.00001; TOPMed 0.00001.
gnomAD v4.1: 7 of 1,176,946 alleles (0.00059%); highest among the groups gnomAD compares: Non-Finnish European, 0.00069%; no homozygotes.

Submissions (3):

Ambry Genetics
Classification: Uncertain significance for Inborn genetic diseases. Last evaluated: 2025-08-08. Review status: criteria provided, single submitter. Criteria: Ambry Variant Classification Scheme 2023. Collection method: clinical testing. Allele origin: germline.

Fulgent Genetics
Classification: Uncertain significance for X-linked Alport syndrome. Last evaluated: 2024-05-24. Review status: criteria provided, single submitter. Criteria: ACMG Guidelines, 2015. Collection method: clinical testing. Allele origin: germline.

MGZ Medical Genetics Center
Classification: Uncertain significance for X-linked Alport syndrome. Last evaluated: 2022-05-04. Review status: criteria provided, single submitter. Criteria: ACMG Guidelines, 2015. Collection method: clinical testing. Allele origin: germline. Affected: yes. Observed: 1 variant allele.
Comment: ACMG criteria applied: PM2_SUP, PP3